The following is an entry in ClinVar:

NM_004370.6(COL12A1):c.5098-5C>T

Gene: COL12A1 (collagen type XII alpha 1 chain; minus strand). Cytogenetic location: 6q13.
Variant type: single nucleotide variant.
Coding change: c.5098-5C>T on transcript NM_004370.6 (MANE Select); 5 bases into the intron before coding-DNA position 5098, C replaced by T.
Molecular consequence: intron variant.
Genome position (GRCh38, 1-based): chr6:75,138,585, G>A on the plus strand (C>T on the coding strand, the complement: COL12A1 is on the minus strand). VCF-style: chr6-75138585-G-A. GRCh37 (hg19) VCF-style: chr6-75848301-G-A.
Other names: c.1606-5C>T (NM_080645.3).
Identifiers: ClinVar variation 542496 (VCV000542496.11), dbSNP rs766762283, ClinGen allele CA3893252.
Genomic context (GRCh38, chr6:75,138,585, plus strand): 5'-GTGTTGGGGTTCAGGTTTTCGAACACCAAAGTGTTTTCATCTCCATTTAAGATGGTCTTG[G>A]AGAAAGAGGACAAAAACATACCCACGCAAAAGTAAGTCTCCACTTACATCATACACACTC-3'

ClinVar aggregate classification (germline): Conflicting classifications of pathogenicity. Review status: criteria provided, conflicting classifications (1 of 4 stars). 2 submissions from 2 submitters: Uncertain significance (1); Likely benign (1). Last evaluated 2025-02-20.

Conditions:
Ullrich congenital muscular dystrophy 2 (UCMD2). Identifiers: Orphanet 75840, MedGen C4225314, MONDO:0014654, OMIM 616470.
Bethlem myopathy 2 (BTHLM2). Identifiers: Orphanet 536516, Orphanet 610, MedGen C4225313, MONDO:0034022, OMIM 616471.

Allele frequency attached by ClinVar (database versions not stated): TOPMed 0.00003; gnomAD 0.00001; gnomAD exomes 0.00001 and below 0.00001; ExAC 0.00001.
gnomAD v4.1: 6 of 1,612,892 alleles (0.00037%); highest among the groups gnomAD compares: Admixed American, 0.0067%; no homozygotes.

Submissions (2):

Dasa
Classification: Uncertain significance. Last evaluated: 2025-02-20. Review status: criteria provided, single submitter. Criteria: DASA Assertion Criteria. Collection method: clinical testing. Allele origin: germline.
Comment: NM_004370.6(COL12A1):c.5098-5C>T is a splice-region variant. This variant is rare in population databases. Computational prediction algorithms are consistent with a benign effect. The currently available literature and clinical evidence are not sufficient to establish a definitive association between this variant and the reported condition. Therefore, this variant is classified as a variant of uncertain significance.

Labcorp Genetics (formerly Invitae), Labcorp
Classification: Likely benign for Bethlem myopathy 2; Ullrich congenital muscular dystrophy 2. Last evaluated: 2025-02-17. Review status: criteria provided, single submitter. Criteria: Invitae Variant Classification Sherloc (09022015). Collection method: clinical testing. Allele origin: germline.